The following is an entry in ClinVar:

NM_001099922.3(ALG13):c.953G>A (p.Arg318His)

Gene: ALG13 (ALG13 UDP-N-acetylglucosaminyltransferase subunit; plus strand). Cytogenetic location: Xq23.
Variant type: single nucleotide variant.
Coding change: c.953G>A on transcript NM_001099922.3 (MANE Select); coding-DNA position 953, G replaced by A.
Protein change: p.Arg318His; replaces arginine 318 with histidine.
Molecular consequence: missense variant. On other transcripts: non-coding transcript variant (1).
Genome position (GRCh38, 1-based): chrX:111,713,245, G>A. VCF-style: chrX-111713245-G-A. GRCh37 (hg19) VCF-style: chrX-110956473-G-A.
Other names: c.641G>A, p.Arg214His (NM_001257230.2, NM_001257234.2, NM_001257237.2 and 1 more transcripts); c.719G>A, p.Arg240His (NM_001257231.2); c.953G>A, p.Arg318His (NM_001324292.2); short protein forms R318H, R240H, R214H.
Identifiers: ClinVar variation 2720024 (VCV002720024.3), dbSNP rs764522101, ClinGen allele CA10493629.

ClinVar aggregate classification (germline): Uncertain significance (1 of 4 stars; one submission).

Conditions:
Developmental and epileptic encephalopathy, 36 (DEE36). Also called: Congenital disorder of glycosylation, type Is; Epileptic encephalopathy, early infantile, 36; ALG13-CDG. Identifiers: Orphanet 324422, MedGen C4317295, MONDO:0010472, OMIM 300884.

Allele frequency attached by ClinVar (database versions not stated): gnomAD 0.00001; gnomAD exomes 0.00004; TOPMed 0.00005; ExAC 0.00009.
gnomAD v4.1: 46 of 1,194,518 alleles (0.0039%); highest among the groups gnomAD compares: Non-Finnish European, 0.0046%; no homozygotes.

Submission:

Labcorp Genetics (formerly Invitae), Labcorp
Classification: Uncertain significance for Developmental and epileptic encephalopathy, 36. Last evaluated: 2024-01-28. Review status: criteria provided, single submitter. Criteria: Invitae Variant Classification Sherloc (09022015). Collection method: clinical testing. Allele origin: germline.
Comment: This sequence change replaces arginine, which is basic and polar, with histidine, which is basic and polar, at codon 318 of the ALG13 protein (p.Arg318His). The frequency data for this variant in the population databases is considered unreliable, as metrics indicate poor data quality at this position in the gnomAD database. This variant has not been reported in the literature in individuals affected with ALG13-related conditions. Advanced modeling of protein sequence and biophysical properties (such as structural, functional, and spatial information, amino acid conservation, physicochemical variation, residue mobility, and thermodynamic stability) performed at Invitae indicates that this missense variant is not expected to disrupt ALG13 protein function with a negative predictive value of 80%. In summary, the available evidence is currently insufficient to determine the role of this variant in disease. Therefore, it has been classified as a Variant of Uncertain Significance.